The following is an entry in ClinVar:

NM_000455.5(STK11):c.213G>A (p.Thr71=)

Gene: STK11 (serine/threonine kinase 11; plus strand). Cytogenetic location: 19p13.3.
Variant type: single nucleotide variant.
Coding change: c.213G>A on transcript NM_000455.5 (MANE Select); coding-DNA position 213, G replaced by A.
Protein change: p.Thr71=; no amino-acid change (threonine 71 retained).
Molecular consequence: synonymous variant. On other transcripts: non-coding transcript variant (1).
Genome position (GRCh38, 1-based): chr19:1,207,126, G>A. VCF-style: chr19-1207126-G-A. GRCh37 (hg19) VCF-style: chr19-1207125-G-A.
Other names: c.213G>A, p.Thr71= (NM_001407255.1).
Identifiers: ClinVar variation 3665998 (VCV003665998.3).

ClinVar aggregate classification (germline): Benign/Likely benign. Review status: criteria provided, multiple submitters, no conflicts (2 of 4 stars). 2 submissions from 2 submitters: Benign (1); Likely benign (1). Last evaluated 2025-03-25.

Conditions:
Peutz-Jeghers syndrome (PJS). Also called: POLYPOSIS, HAMARTOMATOUS INTESTINAL; POLYPS-AND-SPOTS SYNDROME; Peutz-Jeghers polyposis; Periorificial lentiginosis syndrome. Identifiers: Orphanet 2869, MedGen C0031269, MeSH D010580, MONDO:0008280, OMIM 175200.

Submissions (2):

Myriad Genetics, Inc.
Classification: Benign for Peutz-Jeghers syndrome. Last evaluated: 2025-03-25. Review status: criteria provided, single submitter. Criteria: Myriad Autosomal Dominant, Autosomal Recessive and X-Linked Classification Criteria (2023). Collection method: clinical testing. Allele origin: unknown.
Comment: This variant is considered benign. This variant is a silent/synonymous amino acid change and it is not expected to impact splicing.

Labcorp Genetics (formerly Invitae), Labcorp
Classification: Likely benign for Peutz-Jeghers syndrome. Last evaluated: 2024-03-06. Review status: criteria provided, single submitter. Criteria: Invitae Variant Classification Sherloc (09022015). Collection method: clinical testing. Allele origin: germline.